The following is an entry in ClinVar:

NM_006445.4(PRPF8):c.5471C>T (p.Thr1824Met)

Gene: PRPF8 (pre-mRNA processing factor 8; minus strand). Cytogenetic location: 17p13.3.
Variant type: single nucleotide variant.
Coding change: c.5471C>T on transcript NM_006445.4 (MANE Select); coding-DNA position 5471, C replaced by T.
Protein change: p.Thr1824Met; replaces threonine 1824 with methionine.
Molecular consequence: missense variant.
Genome position (GRCh38, 1-based): chr17:1,658,287, G>A on the plus strand (C>T on the coding strand, the complement: PRPF8 is on the minus strand). VCF-style: chr17-1658287-G-A. GRCh37 (hg19) VCF-style: chr17-1561581-G-A.
Other names: short protein forms T1824M.
Identifiers: ClinVar variation 844424 (VCV000844424.9), dbSNP rs1911502120, ClinGen allele CA397572006.

ClinVar aggregate classification (germline): Uncertain significance. Review status: criteria provided, multiple submitters, no conflicts (2 of 4 stars). 2 submissions from 2 submitters: Uncertain significance (2). Last evaluated 2023-05-06.

Conditions:
Inborn genetic diseases. Identifiers: MedGen C0950123, MeSH D030342.

Allele frequency attached by ClinVar (database versions not stated): gnomAD exomes 0.00001.
gnomAD v4.1: 12 of 1,614,186 alleles (0.00074%); highest among the groups gnomAD compares: Non-Finnish European, 0.001%; no homozygotes.

Submissions (2):

Ambry Genetics
Classification: Uncertain significance for Inborn genetic diseases. Last evaluated: 2023-05-06. Review status: criteria provided, single submitter. Criteria: Ambry Variant Classification Scheme 2023. Collection method: clinical testing. Allele origin: germline.
Comment: The c.5471C>T (p.T1824M) alteration is located in exon 34 (coding exon 33) of the PRPF8 gene. This alteration results from a C to T substitution at nucleotide position 5471, causing the threonine (T) at amino acid position 1824 to be replaced by a methionine (M). This variant was not reported in population-based cohorts in the Genome Aggregation Database (gnomAD). This amino acid position is highly conserved in available vertebrate species. This missense alteration is located in a region that has a low rate of benign missense variation (Lek, 2016; Firth, 2009). The in silico prediction for this alteration is inconclusive. Based on insufficient or conflicting evidence, the clinical significance of this alteration remains unclear.

Labcorp Genetics (formerly Invitae), Labcorp
Classification: Uncertain significance. Last evaluated: 2019-12-20. Review status: criteria provided, single submitter. Criteria: Invitae Variant Classification Sherloc (09022015). Collection method: clinical testing. Allele origin: germline.
Comment: In summary, the available evidence is currently insufficient to determine the role of this variant in disease. Therefore, it has been classified as a Variant of Uncertain Significance. Algorithms developed to predict the effect of missense changes on protein structure and function are either unavailable or do not agree on the potential impact of this missense change (SIFT: "Deleterious"; PolyPhen-2: "Probably Damaging"; Align-GVGD: "Class C0"). This variant has not been reported in the literature in individuals with PRPF8-related conditions. This variant is not present in population databases (ExAC no frequency). This sequence change replaces threonine with methionine at codon 1824 of the PRPF8 protein (p.Thr1824Met). The threonine residue is highly conserved and there is a moderate physicochemical difference between threonine and methionine.